The following is an entry in ClinVar:

ClinVar aggregate classification (germline): Uncertain significance (1 of 4 stars; one submission).

Conditions:
Kabuki syndrome 2 (KABUK2). Also called: KDM6A-Related Kabuki Syndrome. Identifiers: Orphanet 2322, MedGen C3275495, MONDO:0010465, OMIM 300867.

Allele frequency attached by ClinVar (database versions not stated): gnomAD exomes below 0.00001; ExAC 0.00002.
gnomAD v4.1: 1 of 1,202,880 alleles (0.000083%); no homozygotes.

Submission:

Labcorp Genetics (formerly Invitae), Labcorp
Classification: Uncertain significance for Kabuki syndrome 2. Last evaluated: 2024-05-22. Review status: criteria provided, single submitter. Criteria: Invitae Variant Classification Sherloc (09022015). Collection method: clinical testing. Allele origin: germline.
Comment: This sequence change replaces proline, which is neutral and non-polar, with leucine, which is neutral and non-polar, at codon 631 of the KDM6A protein (p.Pro631Leu). The frequency data for this variant in the population databases is considered unreliable, as metrics indicate poor data quality at this position in the gnomAD database. This variant has not been reported in the literature in individuals affected with KDM6A-related conditions. Advanced modeling of protein sequence and biophysical properties (such as structural, functional, and spatial information, amino acid conservation, physicochemical variation, residue mobility, and thermodynamic stability) performed at Invitae indicates that this missense variant is not expected to disrupt KDM6A protein function with a negative predictive value of 80%. In summary, the available evidence is currently insufficient to determine the role of this variant in disease. Therefore, it has been classified as a Variant of Uncertain Significance.

NM_001291415.2(KDM6A):c.2048C>T (p.Pro683Leu)

Gene: KDM6A (lysine demethylase 6A; plus strand). Cytogenetic location: Xp11.3.
Variant type: single nucleotide variant.
Coding change: c.2048C>T on transcript NM_001291415.2 (MANE Select); coding-DNA position 2048, C replaced by T.
Protein change: p.Pro683Leu; replaces proline 683 with leucine.
Molecular consequence: missense variant. On other transcripts: non-coding transcript variant (1).
Genome position (GRCh38, 1-based): chrX:45,063,786, C>T. VCF-style: chrX-45063786-C-T. GRCh37 (hg19) VCF-style: chrX-44923031-C-T.
Other names: c.1892C>T, p.Pro631Leu (NM_021140.4, NM_001419812.1); c.1655C>T, p.Pro552Leu (NM_001291418.2, NM_001419815.1); c.1004C>T, p.Pro335Leu (NM_001291421.2); c.1790C>T, p.Pro597Leu (NM_001410742.1, NM_001419814.1); c.2048C>T, p.Pro683Leu (NM_001419809.1); c.1946C>T, p.Pro649Leu (NM_001419810.1, NM_001419813.1); c.1913C>T, p.Pro638Leu (NM_001419811.1, NM_001291416.2); c.1757C>T, p.Pro586Leu (NM_001291417.2); short protein forms P631L, P683L, P335L, P586L, P597L, P638L, P552L, P649L.
Identifiers: ClinVar variation 2772736 (VCV002772736.3), dbSNP rs781221250, ClinGen allele CA10392453.